The following is an entry in ClinVar:

ClinVar aggregate classification (germline): Uncertain significance (1 of 4 stars; one submission).

Allele frequency attached by ClinVar (database versions not stated): gnomAD exomes below 0.00001 and 0.00001; gnomAD 0.00001.
gnomAD v4.1: 7 of 1,611,708 alleles (0.00043%); highest among the groups gnomAD compares: Admixed American, 0.005%; no homozygotes.

Submission:

ARUP Laboratories, Molecular Genetics and Genomics, ARUP Laboratories
Classification: Uncertain significance. Last evaluated: 2021-09-08. Review status: criteria provided, single submitter. Criteria: ARUP Molecular Germline Variant Investigation Process 2021. Collection method: clinical testing. Allele origin: germline.
Comment: The KARS1 c.316A>G; p.Lys106Glu variant (rs1298428928), to our knowledge, is not reported in the medical literature or gene specific databases. This variant is found in the Latino population with an allele frequency of 0.009% (3/34586 alleles) in the Genome Aggregation Database. The lysine at codon 106 is weakly conserved, but computational analyses are uncertain whether this variant is neutral or deleterious (REVEL: 0.317). Due to limited information, the clinical significance of the KARS1 c.316A>G; p.Lys106Glu variant is uncertain at this time.

NM_005548.3(KARS1):c.232A>G (p.Lys78Glu)

Gene: KARS1 (lysyl-tRNA synthetase 1; minus strand). Cytogenetic location: 16q23.1.
Variant type: single nucleotide variant.
Coding change: c.232A>G on transcript NM_005548.3 (MANE Select); coding-DNA position 232, A replaced by G.
Protein change: p.Lys78Glu; replaces lysine 78 with glutamic acid.
Molecular consequence: missense variant. On other transcripts: 5 prime UTR variant (1).
Genome position (GRCh38, 1-based): chr16:75,640,340, T>C on the plus strand (A>G on the coding strand, the complement: KARS1 is on the minus strand). VCF-style: chr16-75640340-T-C. GRCh37 (hg19) VCF-style: chr16-75674238-T-C.
Other names: c.316A>G, p.Lys106Glu (NM_001130089.2); c.-237A>G (NM_001378148.1); short protein forms K106E, K78E.
Identifiers: ClinVar variation 1331026 (VCV001331026.7), dbSNP rs1298428928, ClinGen allele CA396815948.